The following is an entry in ClinVar:

NM_021147.5(CCNO):c.254G>C (p.Gly85Ala)

Genes: CCNO (cyclin O; minus strand), LOC129993895 (ATAC-STARR-seq lymphoblastoid silent region 16013; plus strand). Cytogenetic location: 5q11.2.
Variant type: single nucleotide variant.
Coding change: c.254G>C on transcript NM_021147.5 (MANE Select); coding-DNA position 254, G replaced by C.
Protein change: p.Gly85Ala; replaces glycine 85 with alanine.
Molecular consequence: missense variant. On other transcripts: non-coding transcript variant (2).
Genome position (GRCh38, 1-based): chr5:55,233,270, C>G on the plus strand (G>C on the coding strand, the complement: CCNO is on the minus strand). VCF-style: chr5-55233270-C-G. GRCh37 (hg19) VCF-style: chr5-54529098-C-G.
Other names: short protein forms G85A.
Identifiers: ClinVar variation 1417074 (VCV001417074.6), dbSNP rs866215946, ClinGen allele CA118945129.
Genomic context (GRCh38, chr5:55,233,270, plus strand): 5'-CAGCTCTGGCCGTAGTCGCGGAAGGTCTGTAGATCTAGCTGCGCCACGGGCTGGGCCGGG[C>G]CGGGCAGGGGGCTACCACCCCGCGCCGCAGAGGGGCTCTCTGCGCCGTCTGAGCCGGAGC-3'
Protein context (NP_066970.3, residues 75-95): SAARGGSPLP[Gly85Ala]PAQPVAQLDL

ClinVar aggregate classification (germline): Uncertain significance (1 of 4 stars; one submission).

Conditions:
Primary ciliary dyskinesia. Also called: Ciliary dyskinesia. Identifiers: Orphanet 244, MedGen C0008780, MONDO:0016575, HP:0012265.

Allele frequency attached by ClinVar (database versions not stated): gnomAD 0.00002 and 0.00003; TOPMed 0.00002.

Submission:

Labcorp Genetics (formerly Invitae), Labcorp
Classification: Uncertain significance for Primary ciliary dyskinesia. Last evaluated: 2023-01-13. Review status: criteria provided, single submitter. Criteria: Invitae Variant Classification Sherloc (09022015). Collection method: clinical testing. Allele origin: germline.
Comment: In summary, the available evidence is currently insufficient to determine the role of this variant in disease. Therefore, it has been classified as a Variant of Uncertain Significance. This sequence change replaces glycine, which is neutral and non-polar, with alanine, which is neutral and non-polar, at codon 85 of the CCNO protein (p.Gly85Ala). This variant is not present in population databases (gnomAD no frequency). This variant has not been reported in the literature in individuals affected with CCNO-related conditions. ClinVar contains an entry for this variant (Variation ID: 1417074). Advanced modeling of protein sequence and biophysical properties (such as structural, functional, and spatial information, amino acid conservation, physicochemical variation, residue mobility, and thermodynamic stability) performed at Invitae indicates that this missense variant is not expected to disrupt CCNO protein function.